The following is an entry in ClinVar:

ClinVar aggregate classification (germline): Uncertain significance (1 of 4 stars; one submission).

Conditions:
Hypertrophic cardiomyopathy. Also called: HYPERTROPHIC MYOCARDIOPATHY. Identifiers: Orphanet 217569, MedGen C0007194, MeSH D002312, MONDO:0005045, HP:0001639.

gnomAD v4.1: 1 of 1,613,856 alleles (0.000062%); highest among the groups gnomAD compares: Non-Finnish European, 0.000085%; no homozygotes.

Submission:

Labcorp Genetics (formerly Invitae), Labcorp
Classification: Uncertain significance for Hypertrophic cardiomyopathy. Last evaluated: 2024-07-20. Review status: criteria provided, single submitter. Criteria: Invitae Variant Classification Sherloc (09022015). Collection method: clinical testing. Allele origin: germline.
Comment: This sequence change replaces lysine, which is basic and polar, with glutamic acid, which is acidic and polar, at codon 1608 of the MYOM1 protein (p.Lys1608Glu). This variant is not present in population databases (gnomAD no frequency). This variant has not been reported in the literature in individuals affected with MYOM1-related conditions. Advanced modeling of protein sequence and biophysical properties (such as structural, functional, and spatial information, amino acid conservation, physicochemical variation, residue mobility, and thermodynamic stability) performed at Invitae indicates that this missense variant is not expected to disrupt MYOM1 protein function with a negative predictive value of 80%. In summary, the available evidence is currently insufficient to determine the role of this variant in disease. Therefore, it has been classified as a Variant of Uncertain Significance.

NM_003803.4(MYOM1):c.4822A>G (p.Lys1608Glu)

Gene: MYOM1 (myomesin 1; minus strand). Cytogenetic location: 18p11.31.
Variant type: single nucleotide variant.
Coding change: c.4822A>G on transcript NM_003803.4 (MANE Select); coding-DNA position 4822, A replaced by G.
Protein change: p.Lys1608Glu; replaces lysine 1608 with glutamic acid.
Molecular consequence: missense variant.
Genome position (GRCh38, 1-based): chr18:3,067,498, T>C on the plus strand (A>G on the coding strand, the complement: MYOM1 is on the minus strand). VCF-style: chr18-3067498-T-C. GRCh37 (hg19) VCF-style: chr18-3067496-T-C.
Other names: c.4534A>G, p.Lys1512Glu (NM_019856.2); short protein forms K1512E, K1608E.
Identifiers: ClinVar variation 3710022 (VCV003710022.2).
Genomic context (GRCh38, chr18:3,067,498, plus strand): 5'-TCCTCCCAGCCTCGAACTTGAGGTTGCAGTGGTCGTCTGAGGCCAGGGCCTTCTCGTTCT[T>C]CAACCACGACACCTCCGGAGGCGGGTCTCCCCACACGTTGCAAGTGAGATTAAGGGCCTG-3'
Protein context (NP_003794.3, residues 1598-1618): GDPPPEVSWL[Lys1608Glu]NEKALASDDH